The following is an entry in ClinVar:

NM_001384732.1(CPLANE1):c.*518T>C

Gene: CPLANE1 (ciliogenesis and planar polarity effector complex subunit 1; minus strand). Cytogenetic location: 5p13.2.
Variant type: single nucleotide variant.
Coding change: c.*518T>C on transcript NM_001384732.1 (MANE Select); 518 bases downstream of the stop codon, T replaced by C.
Molecular consequence: 3 prime UTR variant.
Genome position (GRCh38, 1-based): chr5:37,107,084, A>G on the plus strand (T>C on the coding strand, the complement: CPLANE1 is on the minus strand). VCF-style: chr5-37107084-A-G. GRCh37 (hg19) VCF-style: chr5-37107186-A-G.
Other names: c.*518T>C (NM_023073.4).
Identifiers: ClinVar variation 353407 (VCV000353407.29), dbSNP rs556117030, ClinGen allele CA10624450.

ClinVar aggregate classification (germline): Conflicting classifications of pathogenicity. Review status: criteria provided, conflicting classifications (1 of 4 stars). 2 submissions from 2 submitters: Uncertain significance (1); Likely benign (1). Last evaluated 2023-01-01.

Conditions:
Joubert syndrome 17 (JBTS17). Identifiers: Orphanet 475, MedGen C3553264, MONDO:0013824, OMIM 614615.

Allele frequency attached by ClinVar (database versions not stated): 1000 Genomes Project 30x 0.00094; 1000 Genomes Project 0.00100; TOPMed 0.00276; gnomAD 0.00309 and 0.00315; gnomAD exomes 0.00506.
gnomAD v4.1: 4,644 of 985,418 alleles (0.47%); highest among the groups gnomAD compares: Non-Finnish European, 0.53%; 17 homozygotes.

Submissions (2):

CeGaT Center for Human Genetics Tuebingen
Classification: Likely benign. Last evaluated: 2023-01-01. Review status: criteria provided, single submitter. Criteria: CeGaT Center For Human Genetics Tuebingen Variant Classification Criteria Version 2. Collection method: clinical testing. Allele origin: germline. Affected: yes. Observed: 3 variant alleles.
Comment: CPLANE1: BS2

Illumina Laboratory Services, Illumina
Classification: Uncertain significance for Joubert syndrome 17. Last evaluated: 2018-01-13. Review status: criteria provided, single submitter. Criteria: ICSL Variant Classification Criteria 13 December 2019. Collection method: clinical testing. Allele origin: germline.